The following is an entry in ClinVar:

ClinVar aggregate classification (germline): Uncertain significance (1 of 4 stars; one submission).

Conditions:
Skeletal overgrowth-craniofacial dysmorphism-hyperelastic skin-white matter lesions syndrome. Also called: SKELETAL OVERGROWTH WITH FACIAL DYSMORPHISM, HYPERELASTIC SKIN, WHITE MATTER LESIONS, AND NEUROLOGIC DETERIORATION; Kosaki overgrowth syndrome. Identifiers: Orphanet 477831, MedGen C4225270, MONDO:0014704, OMIM 616592.
Acroosteolysis-keloid-like lesions-premature aging syndrome. Also called: Premature aging syndrome, Penttinen type; Prematurely aged appearance, delayed bone maturation, acro-osteolysis, and brachydactyly; Progeroid syndrome, Penttinen type. Identifiers: Orphanet 363665, MedGen C1866182, MONDO:0011150, OMIM 601812.
Infantile myofibromatosis (IMF). Also called: Congenital generalized fibromatosis. Identifiers: Orphanet 2591, MedGen C0432284, MONDO:0016824.
Basal ganglia calcification, idiopathic, 4 (PFBC4). Also called: Familial Idiopathic Basal Ganglia Calcification 4; PRIMARY FAMILIAL BRAIN CALCIFICATION 4, AUTOSOMAL DOMINANT. Identifiers: Orphanet 1980, MedGen C3554321, MONDO:0014004, OMIM 615007.

gnomAD v4.1: 2 of 1,610,954 alleles (0.00012%); highest among the groups gnomAD compares: Non-Finnish European, 0.00017%; no homozygotes.

Submission:

Labcorp Genetics (formerly Invitae), Labcorp
Classification: Uncertain significance for Basal ganglia calcification, idiopathic, 4; Skeletal overgrowth-craniofacial dysmorphism-hyperelastic skin-white matter lesions syndrome; Infantile myofibromatosis; Acroosteolysis-keloid-like lesions-premature aging syndrome. Last evaluated: 2025-09-22. Review status: criteria provided, single submitter. Criteria: Invitae Variant Classification Sherloc (09022015). Collection method: clinical testing. Allele origin: germline.
Comment: This sequence change replaces glycine, which is neutral and non-polar, with arginine, which is basic and polar, at codon 674 of the PDGFRB protein (p.Gly674Arg). This variant is present in population databases (rs779431081, gnomAD 0.0009%). This variant has not been reported in the literature in individuals affected with PDGFRB-related conditions. Invitae Evidence Modeling of protein sequence and biophysical properties (such as structural, functional, and spatial information, amino acid conservation, physicochemical variation, residue mobility, and thermodynamic stability) indicates that this missense variant is not expected to disrupt PDGFRB protein function with a negative predictive value of 80%. In summary, the available evidence is currently insufficient to determine the role of this variant in disease. Therefore, it has been classified as a Variant of Uncertain Significance.

NM_002609.4(PDGFRB):c.2020G>A (p.Gly674Arg)

Gene: PDGFRB (platelet derived growth factor receptor beta; minus strand). Cytogenetic location: 5q32.
Variant type: single nucleotide variant.
Coding change: c.2020G>A on transcript NM_002609.4 (MANE Select); coding-DNA position 2020, G replaced by A.
Protein change: p.Gly674Arg; replaces glycine 674 with arginine.
Molecular consequence: missense variant.
Genome position (GRCh38, 1-based): chr5:150,124,253, C>T on the plus strand (G>A on the coding strand, the complement: PDGFRB is on the minus strand). VCF-style: chr5-150124253-C-T. GRCh37 (hg19) VCF-style: chr5-149503816-C-T.
Other names: c.1828G>A, p.Gly610Arg (NM_001355016.2); c.1537G>A, p.Gly513Arg (NM_001355017.2); short protein forms G610R, G674R, G513R.
Identifiers: ClinVar variation 4788905 (VCV004788905.1).